The following is an entry in ClinVar:

ClinVar aggregate classification (germline): Uncertain significance. Review status: criteria provided, multiple submitters, no conflicts (2 of 4 stars). 2 submissions from 2 submitters: Uncertain significance (2). Last evaluated 2024-08-21.

Conditions:
Oligodontia-cancer predisposition syndrome. Also called: TOOTH AGENESIS-COLORECTAL CANCER SYNDROME. Identifiers: Orphanet 300576, MedGen C1837750, MONDO:0012075, OMIM 608615. Disease mechanism: loss of function.
Hereditary cancer-predisposing syndrome. Also called: Neoplastic Syndromes, Hereditary; Tumor predisposition; Hereditary Cancer Syndrome; Hereditary neoplastic syndrome. Identifiers: Orphanet 140162, MedGen C0027672, MeSH D009386, MONDO:0015356.

Submissions (2):

Labcorp Genetics (formerly Invitae), Labcorp
Classification: Uncertain significance for Oligodontia-cancer predisposition syndrome. Last evaluated: 2024-08-21. Review status: criteria provided, single submitter. Criteria: Invitae Variant Classification Sherloc (09022015). Collection method: clinical testing. Allele origin: germline.
Comment: This sequence change replaces tryptophan, which is neutral and slightly polar, with serine, which is neutral and polar, at codon 663 of the AXIN2 protein (p.Trp663Ser). This variant is not present in population databases (gnomAD no frequency). This variant has not been reported in the literature in individuals affected with AXIN2-related conditions. ClinVar contains an entry for this variant (Variation ID: 820451). Invitae Evidence Modeling of protein sequence and biophysical properties (such as structural, functional, and spatial information, amino acid conservation, physicochemical variation, residue mobility, and thermodynamic stability) indicates that this missense variant is not expected to disrupt AXIN2 protein function with a negative predictive value of 80%. In summary, the available evidence is currently insufficient to determine the role of this variant in disease. Therefore, it has been classified as a Variant of Uncertain Significance.

Ambry Genetics
Classification: Uncertain significance for Hereditary cancer-predisposing syndrome. Last evaluated: 2024-07-08. Review status: criteria provided, single submitter. Criteria: Ambry Variant Classification Scheme 2023. Collection method: clinical testing. Allele origin: germline.
Comment: The p.W663S variant (also known as c.1988G>C), located in coding exon 7 of the AXIN2 gene, results from a G to C substitution at nucleotide position 1988. The tryptophan at codon 663 is replaced by serine, an amino acid with highly dissimilar properties. This amino acid position is well conserved in available vertebrate species. In addition, the in silico prediction for this alteration is inconclusive. Based on the available evidence, the clinical significance of this variant remains unclear.

NM_004655.4(AXIN2):c.1988G>C (p.Trp663Ser)

Gene: AXIN2 (axin 2; minus strand). Cytogenetic location: 17q24.1.
Variant type: single nucleotide variant.
Coding change: c.1988G>C on transcript NM_004655.4 (MANE Select); coding-DNA position 1988, G replaced by C.
Protein change: p.Trp663Ser; replaces tryptophan 663 with serine.
Molecular consequence: missense variant.
Genome position (GRCh38, 1-based): chr17:65,536,473, C>G on the plus strand (G>C on the coding strand, the complement: AXIN2 is on the minus strand). VCF-style: chr17-65536473-C-G. GRCh37 (hg19) VCF-style: chr17-63532591-C-G.
Other names: c.1793G>C, p.Trp598Ser (NM_001363813.1); short protein forms W598S, W663S.
Identifiers: ClinVar variation 820451 (VCV000820451.12), dbSNP rs761870581, ClinGen allele CA293097820.
Genomic context (GRCh38, chr17:65,536,473, plus strand): 5'-GGGTCCTGGGTGAACAGGTGGGCACGGGGGGTGGTGCGGGGGTGCCCGCTGTTGCCCCCC[C>G]ACAGATGGTGCCGGCTGGCTCGTTCGCCTGGAGACGAGCGGGCAGACTCCAAGGGGTAGG-3'
Protein context (NP_004646.3, residues 653-673): PGERASRHHL[Trp663Ser]GGNSGHPRTT